The following is an entry in ClinVar:

NM_004836.7(EIF2AK3):c.3317C>A (p.Ser1106Tyr)

Genes: EIF2AK3 (eukaryotic translation initiation factor 2 alpha kinase 3; minus strand), EIF2AK3-AS1 (EIF2AK3 antisense RNA 1; plus strand). Cytogenetic location: 2p11.2.
Variant type: single nucleotide variant.
Coding change: c.3317C>A on transcript NM_004836.7 (MANE Select); coding-DNA position 3317, C replaced by A.
Protein change: p.Ser1106Tyr; replaces serine 1106 with tyrosine.
Molecular consequence: missense variant.
Genome position (GRCh38, 1-based): chr2:88,557,770, G>T on the plus strand (C>A on the coding strand, the complement: EIF2AK3 is on the minus strand). VCF-style: chr2-88557770-G-T. GRCh37 (hg19) VCF-style: chr2-88857288-G-T.
Other names: c.2864C>A, p.Ser955Tyr (NM_001313915.2); short protein forms S955Y, S1106Y.
Identifiers: ClinVar variation 3687097 (VCV003687097.2).

ClinVar aggregate classification (germline): Uncertain significance (1 of 4 stars; one submission).

gnomAD v4.1: 6 of 1,614,018 alleles (0.00037%); highest among the groups gnomAD compares: African/African-American, 0.0067%; no homozygotes.

Submission:

Labcorp Genetics (formerly Invitae), Labcorp
Classification: Uncertain significance. Last evaluated: 2024-02-07. Review status: criteria provided, single submitter. Criteria: Invitae Variant Classification Sherloc (09022015). Collection method: clinical testing. Allele origin: germline.
Comment: This sequence change replaces serine, which is neutral and polar, with tyrosine, which is neutral and polar, at codon 1106 of the EIF2AK3 protein (p.Ser1106Tyr). This variant is present in population databases (rs747073375, gnomAD 0.01%). This variant has not been reported in the literature in individuals affected with EIF2AK3-related conditions. An algorithm developed to predict the effect of missense changes on protein structure and function (PolyPhen-2) suggests that this variant is likely to be tolerated. In summary, the available evidence is currently insufficient to determine the role of this variant in disease. Therefore, it has been classified as a Variant of Uncertain Significance.